The following is an entry in ClinVar:

NM_022114.4(PRDM16):c.3524G>A (p.Cys1175Tyr)

Gene: PRDM16 (PR/SET domain 16; plus strand). Cytogenetic location: 1p36.32.
Variant type: single nucleotide variant.
Coding change: c.3524G>A on transcript NM_022114.4 (MANE Select); coding-DNA position 3524, G replaced by A.
Protein change: p.Cys1175Tyr; replaces cysteine 1175 with tyrosine.
Molecular consequence: missense variant.
Genome position (GRCh38, 1-based): chr1:3,431,968, G>A. VCF-style: chr1-3431968-G-A. GRCh37 (hg19) VCF-style: chr1-3348532-G-A.
Other names: c.3524G>A, p.Cys1175Tyr (NM_199454.3); short protein forms C1175Y.
Identifiers: ClinVar variation 2141836 (VCV002141836.4), dbSNP rs752867498, ClinGen allele CA544907.

ClinVar aggregate classification (germline): Uncertain significance (1 of 4 stars; one submission).

Conditions:
Left ventricular noncompaction 8 (LVNC8). Identifiers: Orphanet 154, Orphanet 54260, MedGen C3809288, MONDO:0014152, OMIM 615373.

Allele frequency attached by ClinVar (database versions not stated): gnomAD exomes below 0.00001; TOPMed 0.00001; ExAC 0.00002.

Submission:

Labcorp Genetics (formerly Invitae), Labcorp
Classification: Uncertain significance for Left ventricular noncompaction 8. Last evaluated: 2022-03-12. Review status: criteria provided, single submitter. Criteria: Invitae Variant Classification Sherloc (09022015). Collection method: clinical testing. Allele origin: germline.
Comment: This sequence change replaces cysteine, which is neutral and slightly polar, with tyrosine, which is neutral and polar, at codon 1175 of the PRDM16 protein (p.Cys1175Tyr). This variant is present in population databases (rs752867498, gnomAD 0.02%). This variant has not been reported in the literature in individuals affected with PRDM16-related conditions. Algorithms developed to predict the effect of missense changes on protein structure and function are either unavailable or do not agree on the potential impact of this missense change (SIFT: "Deleterious"; PolyPhen-2: "Benign"; Align-GVGD: "Class C65"). In summary, the available evidence is currently insufficient to determine the role of this variant in disease. Therefore, it has been classified as a Variant of Uncertain Significance.